The following is an entry in ClinVar:

ClinVar aggregate classification (germline): Likely benign (1 of 4 stars; one submission).

Submission:

CeGaT Center for Human Genetics Tuebingen
Classification: Likely benign. Last evaluated: 2023-10-01. Review status: criteria provided, single submitter. Criteria: CeGaT Center For Human Genetics Tuebingen Variant Classification Criteria Version 2. Collection method: clinical testing. Allele origin: germline. Affected: yes. Observed: 1 variant allele.
Comment: ARHGAP30: PM2:Supporting, BP4, BP7

NM_001025598.2(ARHGAP30):c.1860G>A (p.Leu620=)

Gene: ARHGAP30 (Rho GTPase activating protein 30; minus strand). Cytogenetic location: 1q23.3.
Variant type: single nucleotide variant.
Coding change: c.1860G>A on transcript NM_001025598.2 (MANE Select); coding-DNA position 1860, G replaced by A.
Protein change: p.Leu620=; no amino-acid change (leucine 620 retained).
Molecular consequence: synonymous variant.
Genome position (GRCh38, 1-based): chr1:161,049,161, C>T on the plus strand (G>A on the coding strand, the complement: ARHGAP30 is on the minus strand). VCF-style: chr1-161049161-C-T. GRCh37 (hg19) VCF-style: chr1-161018951-C-T.
Other names: c.1416G>A, p.Leu472= (NM_001287600.2); c.1329G>A, p.Leu443= (NM_001287602.2); c.1860G>A, p.Leu620= (NM_181720.3).
Identifiers: ClinVar variation 2639506 (VCV002639506.24), dbSNP rs2524607004, ClinGen allele CA421606445.